The following is an entry in ClinVar:

ClinVar aggregate classification (germline): Uncertain significance (1 of 4 stars; one submission).

Conditions:
Vici syndrome (VICIS). Identifiers: Orphanet 1493, MedGen C1855772, MONDO:0009452, OMIM 242840.

Submission:

Dasa
Classification: Uncertain significance for Vici syndrome. Last evaluated: 2025-12-15. Review status: criteria provided, single submitter. Criteria: DASA Assertion Criteria. Collection method: clinical testing. Allele origin: germline.
Comment: NM_020964.3(EPG5):c.4886C>A (p.Ala1629Glu) is a missense variant that results in the substitution of alanine with glutamic acid. This variant is rare in population databases. Computational prediction algorithms are consistent with a benign effect. The currently available literature and clinical evidence are not sufficient to establish a definitive association between this variant and the reported condition. Therefore, this variant is classified as a variant of uncertain significance.

NM_020964.3(EPG5):c.4886C>A (p.Ala1629Glu)

Gene: EPG5 (ectopic P-granules 5 autophagy tethering factor; minus strand). Cytogenetic location: 18q12.3.
Variant type: single nucleotide variant.
Coding change: c.4886C>A on transcript NM_020964.3 (MANE Select); coding-DNA position 4886, C replaced by A.
Protein change: p.Ala1629Glu; replaces alanine 1629 with glutamic acid.
Molecular consequence: missense variant.
Genome position (GRCh38, 1-based): chr18:45,889,864, G>T on the plus strand (C>A on the coding strand, the complement: EPG5 is on the minus strand). VCF-style: chr18-45889864-G-T. GRCh37 (hg19) VCF-style: chr18-43469829-G-T.
Other names: c.4886C>A, p.Ala1629Glu (NM_001410858.1, NM_001410859.1); short protein forms A1629E.
Identifiers: ClinVar variation 4883523 (VCV004883523.2).